The following is an entry in ClinVar:

ClinVar aggregate classification (germline): Uncertain significance (1 of 4 stars; one submission).

Conditions:
KBG syndrome (KBGS). Also called: ANKRD11-Related KBG Syndrome. Identifiers: Orphanet 2332, MedGen C0220687, MONDO:0007846, OMIM 148050.

Submission:

Labcorp Genetics (formerly Invitae), Labcorp
Classification: Uncertain significance for KBG syndrome. Last evaluated: 2025-08-20. Review status: criteria provided, single submitter. Criteria: Invitae Variant Classification Sherloc (09022015). Collection method: clinical testing. Allele origin: germline.
Comment: This sequence change replaces lysine, which is basic and polar, with glutamic acid, which is acidic and polar, at codon 1468 of the ANKRD11 protein (p.Lys1468Glu). This variant is not present in population databases (gnomAD no frequency). This variant has not been reported in the literature in individuals affected with ANKRD11-related conditions. Invitae Evidence Modeling of protein sequence and biophysical properties (such as structural, functional, and spatial information, amino acid conservation, physicochemical variation, residue mobility, and thermodynamic stability) indicates that this missense variant is expected to disrupt ANKRD11 protein function with a positive predictive value of 80%. In summary, the available evidence is currently insufficient to determine the role of this variant in disease. Therefore, it has been classified as a Variant of Uncertain Significance.

NM_013275.6(ANKRD11):c.4402A>G (p.Lys1468Glu)

Gene: ANKRD11 (ankyrin repeat domain 11; minus strand). Cytogenetic location: 16q24.3.
Variant type: single nucleotide variant.
Coding change: c.4402A>G on transcript NM_013275.6 (MANE Select); coding-DNA position 4402, A replaced by G.
Protein change: p.Lys1468Glu; replaces lysine 1468 with glutamic acid.
Molecular consequence: missense variant.
Genome position (GRCh38, 1-based): chr16:89,282,140, T>C on the plus strand (A>G on the coding strand, the complement: ANKRD11 is on the minus strand). VCF-style: chr16-89282140-T-C. GRCh37 (hg19) VCF-style: chr16-89348548-T-C.
Other names: c.4402A>G, p.Lys1468Glu (NM_001256182.2, NM_001256183.2); short protein forms K1468E.
Identifiers: ClinVar variation 4802797 (VCV004802797.1).
Genomic context (GRCh38, chr16:89,282,140, plus strand): 5'-GATGCCGCAGCAGCCCATCCGCATGCCTGTCCCGGTGCCTCTCCTTCTCGTCTCTCCATT[T>C]CTCCCTGTGTTTCTCTCTCTTCTTCTTCTCTTTTAGGATGTTGATGGCACTAGATCCATA-3'
Protein context (NP_037407.4, residues 1458-1478): EKKKREKHRE[Lys1468Glu]WRDEKERHRD